The following is an entry in ClinVar:

NM_001330588.2(TPP2):c.3452C>T (p.Thr1151Ile)

Gene: TPP2 (tripeptidyl peptidase 2; plus strand). Cytogenetic location: 13q33.1.
Variant type: single nucleotide variant.
Coding change: c.3452C>T on transcript NM_001330588.2 (MANE Select); coding-DNA position 3452, C replaced by T.
Protein change: p.Thr1151Ile; replaces threonine 1151 with isoleucine.
Molecular consequence: missense variant. On other transcripts: non-coding transcript variant (1).
Genome position (GRCh38, 1-based): chr13:102,674,363, C>T. VCF-style: chr13-102674363-C-T. GRCh37 (hg19) VCF-style: chr13-103326713-C-T.
Other names: c.3452C>T, p.Thr1151Ile (LRG_1341t1); c.3539C>T, p.Thr1180Ile (NM_001367947.1); c.3413C>T, p.Thr1138Ile (NM_003291.4); short protein forms T1138I, T1151I, T1180I.
Identifiers: ClinVar variation 655671 (VCV000655671.7), dbSNP rs1031663627, ClinGen allele CA255183244.

ClinVar aggregate classification (germline): Uncertain significance. Review status: criteria provided, multiple submitters, no conflicts (2 of 4 stars). 2 submissions from 2 submitters: Uncertain significance (2). Last evaluated 2024-07-31.

Conditions:
Inborn genetic diseases. Identifiers: MedGen C0950123, MeSH D030342.
Evans syndrome, immunodeficiency, and premature immunosenescence associated with tripeptidyl-peptidase II deficiency. Identifiers: MedGen CN231723. Disease mechanism: loss of function.

Allele frequency attached by ClinVar (database versions not stated): gnomAD 0.00001; TOPMed 0.00001; gnomAD exomes 0.00002.
gnomAD v4.1: 35 of 1,613,820 alleles (0.0022%); highest among the groups gnomAD compares: Non-Finnish European, 0.0028%; no homozygotes.

Submissions (2):

Ambry Genetics
Classification: Uncertain significance for Inborn genetic diseases. Last evaluated: 2024-07-31. Review status: criteria provided, single submitter. Criteria: Ambry Variant Classification Scheme 2023. Collection method: clinical testing. Allele origin: germline.

Labcorp Genetics (formerly Invitae), Labcorp
Classification: Uncertain significance for Evans syndrome, immunodeficiency, and premature immunosenescence associated with tripeptidyl-peptidase II deficiency. Last evaluated: 2021-08-31. Review status: criteria provided, single submitter. Criteria: Invitae Variant Classification Sherloc (09022015). Collection method: clinical testing. Allele origin: germline.
Comment: This sequence change replaces threonine with isoleucine at codon 1138 of the TPP2 protein (p.Thr1138Ile). The threonine residue is weakly conserved and there is a moderate physicochemical difference between threonine and isoleucine. This variant is not present in population databases (ExAC no frequency). This variant has not been reported in the literature in individuals affected with TPP2-related conditions. Algorithms developed to predict the effect of missense changes on protein structure and function (SIFT, PolyPhen-2, Align-GVGD) all suggest that this variant is likely to be tolerated. In summary, the available evidence is currently insufficient to determine the role of this variant in disease. Therefore, it has been classified as a Variant of Uncertain Significance.